The following is an entry in ClinVar:

NM_000426.4(LAMA2):c.2069A>G (p.Tyr690Cys)

Gene: LAMA2 (laminin subunit alpha 2; plus strand). Cytogenetic location: 6q22.33.
Variant type: single nucleotide variant.
Coding change: c.2069A>G on transcript NM_000426.4 (MANE Select); coding-DNA position 2069, A replaced by G.
Protein change: p.Tyr690Cys; replaces tyrosine 690 with cysteine.
Molecular consequence: missense variant.
Genome position (GRCh38, 1-based): chr6:129,252,268, A>G. VCF-style: chr6-129252268-A-G. GRCh37 (hg19) VCF-style: chr6-129573413-A-G.
Other names: c.2069A>G, p.Tyr690Cys (NM_001079823.2); short protein forms Y690C.
Identifiers: ClinVar variation 1342388 (VCV001342388.2), dbSNP rs2114287747, ClinGen allele CA365610581.

ClinVar aggregate classification (germline): Uncertain significance (1 of 4 stars; one submission).

Conditions:
Merosin deficient congenital muscular dystrophy (MDC1A). Also called: Congenital merosin-deficient muscular dystrophy 1A; Congenital Muscular Dystrophy Type 1A (MDC1A). Identifiers: Orphanet 258, MedGen C1263858, MONDO:0011925, OMIM 607855.
Muscular dystrophy, limb-girdle, autosomal recessive 23. Identifiers: Orphanet 565837, MedGen C4748327, MONDO:0029136, OMIM 618138.

Submission:

New York Genome Center
Classification: Uncertain significance for Merosin deficient congenital muscular dystrophy; Muscular dystrophy, limb-girdle, autosomal recessive 23. Last evaluated: 2021-04-10. Review status: criteria provided, single submitter. Criteria: NYGC Assertion Criteria 2020. Collection method: clinical testing. Allele origin: de novo. Observed: 1 variant allele. Study: CSER-NYCKidSeq.
Comment: The de novo c.2069A>G (p.Tyr690Cys) variant in exon 14 of 65 of LAMA2 has not been reported in affected individuals in the available literature. This variant is absent in gnomADv3, suggesting it is not a common benign variant in the populations represented in this database. In silico predictors suggest this variant is Damaging (Provean score: -6.21, SIFT score: 0.002). Given the current evidence regarding its pathogenicity, the c.2069A>G (p.Tyr690Cys) variant identified in the LAMA2 gene is classified as a variant of uncertain significance.